The following is an entry in ClinVar:

NM_001111.5(ADAR):c.1820C>T (p.Thr607Ile)

Gene: ADAR (adenosine deaminase RNA specific; minus strand). Cytogenetic location: 1q21.3.
Variant type: single nucleotide variant.
Coding change: c.1820C>T on transcript NM_001111.5 (MANE Select); coding-DNA position 1820, C replaced by T.
Protein change: p.Thr607Ile; replaces threonine 607 with isoleucine.
Molecular consequence: missense variant.
Genome position (GRCh38, 1-based): chr1:154,597,942, G>A on the plus strand (C>T on the coding strand, the complement: ADAR is on the minus strand). VCF-style: chr1-154597942-G-A. GRCh37 (hg19) VCF-style: chr1-154570418-G-A.
Other names: c.935C>T, p.Thr312Ile (NM_001025107.3, NM_001193495.2, NM_001365046.1 and 3 more transcripts); c.1847C>T, p.Thr616Ile (NM_001365045.1); c.1820C>T, p.Thr607Ile (NM_015840.4, NM_015841.4); c.1820C>T (NM_001111.4); short protein forms T616I, T312I, T607I.
Identifiers: ClinVar variation 2939149 (VCV002939149.4), dbSNP rs1557881014, ClinGen allele CA342638918.
Genomic context (GRCh38, chr1:154,597,942, plus strand): 5'-CCCAATTTGTGCATACACTCAAGCAGTGTGGTGACGGGGCTCTTCCCAGAAAAGAAGGAT[G>A]TGGCTGAAGGGGTGGGGGTCTGGGACTCTGCAGTCTAGAGAAAATGAGAGACAAGAAGAA-3'
Protein context (NP_001102.3, residues 597-617): AESQTPTPSA[Thr607Ile]SFFSGKSPVT

ClinVar aggregate classification (germline): Uncertain significance. Review status: criteria provided, multiple submitters, no conflicts (2 of 4 stars). 2 submissions from 2 submitters: Uncertain significance (2). Last evaluated 2025-05-07.

Conditions:
Inborn genetic diseases. Identifiers: MedGen C0950123, MeSH D030342.
Symmetrical dyschromatosis of extremities (DSH). Also called: RETICULATE ACROPIGMENTATION OF DOHI; SYMMETRIC DYSCHROMATOSIS OF THE EXTREMITIES; DYSCHROMATOSIS SYMMETRICA HEREDITARIA 1; Dyschromatosis symmetrica hereditaria. Identifiers: Orphanet 41, MedGen C0406775, MONDO:0007483, OMIM 127400.
Aicardi-Goutieres syndrome 6 (AGS6). Identifiers: Orphanet 51, MedGen C3539013, MONDO:0014007, OMIM 615010.

Submissions (2):

Ambry Genetics
Classification: Uncertain significance for Inborn genetic diseases. Last evaluated: 2025-05-07. Review status: criteria provided, single submitter. Criteria: Ambry Variant Classification Scheme 2023. Collection method: clinical testing. Allele origin: germline.

Labcorp Genetics (formerly Invitae), Labcorp
Classification: Uncertain significance for Aicardi-Goutieres syndrome 6; Symmetrical dyschromatosis of extremities. Last evaluated: 2023-06-23. Review status: criteria provided, single submitter. Criteria: Invitae Variant Classification Sherloc (09022015). Collection method: clinical testing. Allele origin: germline.
Comment: This sequence change replaces threonine, which is neutral and polar, with isoleucine, which is neutral and non-polar, at codon 607 of the ADAR protein (p.Thr607Ile). This variant is not present in population databases (gnomAD no frequency). This variant has not been reported in the literature in individuals affected with ADAR-related conditions. Advanced modeling of protein sequence and biophysical properties (such as structural, functional, and spatial information, amino acid conservation, physicochemical variation, residue mobility, and thermodynamic stability) performed at Invitae indicates that this missense variant is not expected to disrupt ADAR protein function. In summary, the available evidence is currently insufficient to determine the role of this variant in disease. Therefore, it has been classified as a Variant of Uncertain Significance.